The following is an entry in ClinVar:

NM_006312.6(NCOR2):c.4368G>A (p.Pro1456=)

Gene: NCOR2 (nuclear receptor corepressor 2; minus strand). Cytogenetic location: 12q24.31.
Variant type: single nucleotide variant.
Coding change: c.4368G>A on transcript NM_006312.6 (MANE Select); coding-DNA position 4368, G replaced by A.
Protein change: p.Pro1456=; no amino-acid change (proline 1456 retained).
Molecular consequence: synonymous variant.
Genome position (GRCh38, 1-based): chr12:124,344,943, C>T on the plus strand (G>A on the coding strand, the complement: NCOR2 is on the minus strand). VCF-style: chr12-124344943-C-T. GRCh37 (hg19) VCF-style: chr12-124829489-C-T.
Other names: c.4338G>A, p.Pro1446= (NM_001077261.4, NM_001206654.2).
Identifiers: ClinVar variation 3055703 (VCV003055703.2), dbSNP rs75700832, ClinGen allele CA6868269.

ClinVar aggregate classification (germline): Benign (0 of 4 stars; one submission).

Conditions:
NCOR2-related disorder. Also called: NCOR2-related condition.

Allele frequency attached by ClinVar (database versions not stated): ESP Exome Variant Server 0.01503; gnomAD 0.01634; 1000 Genomes Project 0.01817; TOPMed 0.01818; 1000 Genomes Project 30x 0.01889.
gnomAD v4.1: 4,638 of 1,545,668 alleles (0.3%); highest among the groups gnomAD compares: African/African-American, 5.6%; 143 homozygotes.

Submission:

PreventionGenetics, part of Exact Sciences
Classification: Benign for NCOR2-related condition. Last evaluated: 2019-06-02. Review status: no assertion criteria provided. Collection method: clinical testing. Allele origin: germline.
Comment: This variant is classified as benign based on ACMG/AMP sequence variant interpretation guidelines (Richards et al. 2015 PMID: 25741868, with internal and published modifications).